The following is an entry in ClinVar:

ClinVar aggregate classification (germline): Uncertain significance (1 of 4 stars; one submission).

Conditions:
ALG9 congenital disorder of glycosylation (CDG1L). Also called: CDG Il; CONGENITAL DISORDER OF GLYCOSYLATION, TYPE Il; ALG9-CDG. Identifiers: Orphanet 79328, MedGen C2931006, MONDO:0012117, OMIM 608776.

gnomAD v4.1: 4 of 1,613,994 alleles (0.00025%); highest among the groups gnomAD compares: East Asian, 0.0022%; no homozygotes.

Submission:

MVZ Medizinische Genetik Mainz
Classification: Uncertain significance for ALG9 congenital disorder of glycosylation. Last evaluated: 2026-07-20. Review status: criteria provided, single submitter. Criteria: UK Practice Guidelines For Variant Classification V4 01 2020. Collection method: clinical testing. Allele origin: germline. Inheritance: Autosomal dominant inheritance. Affected: yes. Observed: 1 variant allele.
Comment: ACMG Criteria: PM2_SUP,PP3

NM_024740.2(ALG9):c.1303C>T (p.Arg435Cys)

Gene: ALG9 (ALG9 alpha-1,2-mannosyltransferase; minus strand). Cytogenetic location: 11q23.1.
Variant type: single nucleotide variant.
Coding change: c.1303C>T on transcript NM_024740.2 (MANE Select); coding-DNA position 1303, C replaced by T.
Protein change: p.Arg435Cys; replaces arginine 435 with cysteine.
Molecular consequence: missense variant. On other transcripts: non-coding transcript variant (1).
Genome position (GRCh38, 1-based): chr11:111,838,270, G>A on the plus strand (C>T on the coding strand, the complement: ALG9 is on the minus strand). VCF-style: chr11-111838270-G-A. GRCh37 (hg19) VCF-style: chr11-111708993-G-A.
Other names: c.1282C>T, p.Arg428Cys (NM_001077690.1, NM_001352417.1, NM_001441205.1); c.790C>T, p.Arg264Cys (NM_001077691.2, NM_001352413.1, NM_001352414.2 and 1 more transcripts); c.769C>T, p.Arg257Cys (NM_001077692.2, NM_001352409.1, NM_001352410.1 and 6 more transcripts); c.1159C>T, p.Arg387Cys (NM_001352418.1); c.694C>T, p.Arg232Cys (NM_001352422.2); c.646C>T, p.Arg216Cys (NM_001352423.2); c.1303C>T, p.Arg435Cys (NM_001441203.1, NM_001441204.1); c.1180C>T, p.Arg394Cys (NM_001441206.1); short protein forms R216C, R232C, R257C, R264C, R387C, R394C, R428C, R435C.
Identifiers: ClinVar variation 4887024 (VCV004887024.1).